The following is an entry in ClinVar:

ClinVar aggregate classification (germline): Uncertain significance (1 of 4 stars; one submission).

Submission:

Labcorp Genetics (formerly Invitae), Labcorp
Classification: Uncertain significance. Last evaluated: 2022-10-24. Review status: criteria provided, single submitter. Criteria: Invitae Variant Classification Sherloc (09022015). Collection method: clinical testing. Allele origin: germline.
Comment: This variant results in a copy number gain of the genomic region encompassing exon(s) 2-3 of the MPDZ gene. This region includes the initiator codon of the gene. This copy number gain extends beyond the assayed region for this gene and therefore may encompass additional genes. As the precise location of this event is unknown, it may be in tandem or it may be located elsewhere in the genome. This variant has not been reported in the literature in individuals affected with MPDZ-related conditions. In summary, the available evidence is currently insufficient to determine the role of this variant in disease. Therefore, it has been classified as a Variant of Uncertain Significance.

NC_000009.11:g.(?_13247614)_(13250314_?)dup

Gene: MPDZ (multiple PDZ domain crumbs cell polarity complex component; minus strand). Cytogenetic location: 9p23.
Variant type: Duplication.
Identifiers: ClinVar variation 1439935 (VCV001439935.4).